The following is an entry in ClinVar:

NM_000535.7(PMS2):c.2055A>G (p.Gly685=)

Gene: PMS2 (PMS1 homolog 2, mismatch repair system component; minus strand). Cytogenetic location: 7p22.1.
Variant type: single nucleotide variant.
Coding change: c.2055A>G on transcript NM_000535.7 (MANE Select); coding-DNA position 2055, A replaced by G.
Protein change: p.Gly685=; no amino-acid change (glycine 685 retained).
Molecular consequence: synonymous variant. On other transcripts: non-coding transcript variant (1).
Genome position (GRCh38, 1-based): chr7:5,982,943, T>C on the plus strand (A>G on the coding strand, the complement: PMS2 is on the minus strand). VCF-style: chr7-5982943-T-C. GRCh37 (hg19) VCF-style: chr7-6022574-T-C.
Other names: c.1650A>G, p.Gly550= (NM_001322003.2, NM_001322004.2, NM_001322005.2 and 1 more transcripts); c.1899A>G, p.Gly633= (NM_001322006.2); c.1737A>G, p.Gly579= (NM_001322007.2, NM_001322008.2); c.1494A>G, p.Gly498= (NM_001322010.2); c.1122A>G, p.Gly374= (NM_001322011.2, NM_001322012.2); c.1482A>G, p.Gly494= (NM_001322013.2); c.2055A>G, p.Gly685= (NM_001322014.2); c.1746A>G, p.Gly582= (NM_001322015.2).
Identifiers: ClinVar variation 185215 (VCV000185215.18), dbSNP rs786202005, ClinGen allele CA010763.

ClinVar aggregate classification (germline): Benign/Likely benign. Review status: criteria provided, multiple submitters, no conflicts (2 of 4 stars). 4 submissions from 4 submitters: Benign (1); Likely benign (3). Last evaluated 2025-02-03.

Conditions:
Hereditary nonpolyposis colorectal neoplasms. Identifiers: MedGen C0009405, MeSH D003123.
Hereditary cancer-predisposing syndrome. Also called: Hereditary neoplastic syndrome; Neoplastic Syndromes, Hereditary; Tumor predisposition; Hereditary Cancer Syndrome. Identifiers: Orphanet 140162, MedGen C0027672, MeSH D009386, MONDO:0015356.
Lynch syndrome 4 (LYNCH4). Also called: Hereditary non-polyposis colorectal cancer, type 4; Colorectal cancer, hereditary nonpolyposis, type 4. Identifiers: Orphanet 144, MedGen C1838333, MONDO:0013699, OMIM 614337. Disease mechanism: loss of function.

Allele frequency attached by ClinVar (database versions not stated): gnomAD exomes below 0.00001; TOPMed below 0.00001; gnomAD 0.00001.

Submissions (4):

Myriad Genetics, Inc.
Classification: Benign for Lynch syndrome 4. Last evaluated: 2025-02-03. Review status: criteria provided, single submitter. Criteria: Myriad Autosomal Dominant, Autosomal Recessive and X-Linked Classification Criteria (2023). Collection method: clinical testing. Allele origin: unknown.
Comment: This variant is considered benign. This variant is a silent/synonymous amino acid change and it is not expected to impact splicing.

Labcorp Genetics (formerly Invitae), Labcorp
Classification: Likely benign for Hereditary nonpolyposis colorectal neoplasms. Last evaluated: 2024-11-16. Review status: criteria provided, single submitter. Criteria: Invitae Variant Classification Sherloc (09022015). Collection method: clinical testing. Allele origin: germline.

Color Diagnostics, LLC DBA Color Health
Classification: Likely benign for Hereditary cancer-predisposing syndrome. Last evaluated: 2024-06-12. Review status: criteria provided, single submitter. Criteria: ACMG Guidelines, 2015. Collection method: clinical testing. Allele origin: germline.

Ambry Genetics
Classification: Likely benign for Hereditary cancer-predisposing syndrome. Last evaluated: 2018-03-30. Review status: criteria provided, single submitter. Criteria: Ambry Variant Classification Scheme 2023. Collection method: clinical testing. Allele origin: germline.